The following is an entry in ClinVar:

NM_000059.4(BRCA2):c.1939T>C (p.Cys647Arg)

Gene: BRCA2 (BRCA2 DNA repair associated; plus strand). Cytogenetic location: 13q13.1.
Variant type: single nucleotide variant.
Coding change: c.1939T>C on transcript NM_000059.4 (MANE Select); coding-DNA position 1939, T replaced by C.
Protein change: p.Cys647Arg; replaces cysteine 647 with arginine.
Molecular consequence: missense variant.
Genome position (GRCh38, 1-based): chr13:32,336,294, T>C. VCF-style: chr13-32336294-T-C. GRCh37 (hg19) VCF-style: chr13-32910431-T-C.
Other names: short protein forms C647R.
Identifiers: ClinVar variation 495436 (VCV000495436.20), dbSNP rs1555282367, ClinGen allele CA387768352.

ClinVar aggregate classification (germline): Conflicting classifications of pathogenicity. Review status: criteria provided, conflicting classifications (1 of 4 stars). 6 submissions from 6 submitters: Uncertain significance (4); Likely benign (2). Last evaluated 2024-08-22.

Conditions:
Hereditary breast ovarian cancer syndrome. Also called: Hereditary breast and/or ovarian cancer syndrome; BRCA1- and BRCA2-Associated Hereditary Breast and Ovarian Cancer; Breast and ovarian cancer; Hereditary breast and ovarian cancer; Hereditary breast and ovarian cancer syndrome; Hereditary breast and ovarian cancer syndrome (HBOC). Identifiers: Orphanet 145, MedGen C0677776, MeSH D061325, MONDO:0003582. Disease mechanism: loss of function.
Hereditary cancer-predisposing syndrome. Also called: Hereditary neoplastic syndrome; Tumor predisposition; Hereditary Cancer Syndrome; Neoplastic Syndromes, Hereditary. Identifiers: Orphanet 140162, MedGen C0027672, MeSH D009386, MONDO:0015356.

Allele frequency attached by ClinVar (database versions not stated): gnomAD exomes below 0.00001.
gnomAD v4.1: 1 of 1,603,442 alleles (0.000062%); highest among the groups gnomAD compares: Non-Finnish European, 0.000085%; no homozygotes.

Submissions (6):

Ambry Genetics
Classification: Likely benign for Hereditary cancer-predisposing syndrome. Last evaluated: 2024-08-22. Review status: criteria provided, single submitter. Criteria: Ambry Variant Classification Scheme 2023. Collection method: clinical testing. Allele origin: germline.

University of Washington Department of Laboratory Medicine, University of Washington
Classification: Likely benign for Hereditary cancer-predisposing syndrome. Last evaluated: 2023-03-23. Review status: criteria provided, single submitter. Criteria: Dines et al. (Genet Med. 2020). Collection method: curation. Allele origin: germline.
Comment: Missense variant in a coldspot region where missense variants are very unlikely to be pathogenic (PMID:31911673).

BRCA2 exon 11 coldspot. Reclassification based on statistical prior probability.

Labcorp Genetics (formerly Invitae), Labcorp
Classification: Uncertain significance for Hereditary breast ovarian cancer syndrome. Last evaluated: 2022-10-07. Review status: criteria provided, single submitter. Criteria: Invitae Variant Classification Sherloc (09022015). Collection method: clinical testing. Allele origin: germline.
Comment: In summary, the available evidence is currently insufficient to determine the role of this variant in disease. Therefore, it has been classified as a Variant of Uncertain Significance. Advanced modeling of protein sequence and biophysical properties (such as structural, functional, and spatial information, amino acid conservation, physicochemical variation, residue mobility, and thermodynamic stability) performed at Invitae indicates that this missense variant is not expected to disrupt BRCA2 protein function. ClinVar contains an entry for this variant (Variation ID: 495436). This sequence change replaces cysteine, which is neutral and slightly polar, with arginine, which is basic and polar, at codon 647 of the BRCA2 protein (p.Cys647Arg). This variant has not been reported in the literature in individuals affected with BRCA2-related conditions. This variant is not present in population databases (gnomAD no frequency).

Color Diagnostics, LLC DBA Color Health
Classification: Uncertain significance for Hereditary cancer-predisposing syndrome. Last evaluated: 2021-05-11. Review status: criteria provided, single submitter. Criteria: ACMG Guidelines, 2015. Collection method: clinical testing. Allele origin: germline.
Comment: This missense variant replaces cysteine with arginine at codon 647 of the BRCA2 protein. Computational prediction suggests that this variant may not impact protein structure and function (internally defined REVEL score threshold <= 0.5, PMID: 27666373). To our knowledge, functional studies have not been reported for this variant. This variant has not been reported in individuals affected with hereditary cancer in the literature. This variant has not been identified in the general population by the Genome Aggregation Database (gnomAD). The available evidence is insufficient to determine the role of this variant in disease conclusively. Therefore, this variant is classified as a Variant of Uncertain Significance.

GeneDx
Classification: Uncertain significance. Last evaluated: 2019-07-01. Review status: criteria provided, single submitter. Criteria: GeneDx Variant Classification Process June 2021. Collection method: clinical testing. Allele origin: germline. Affected: yes.
Comment: Not observed in large population cohorts (Lek et al., 2016); In silico analysis, which includes protein predictors and evolutionary conservation, supports a deleterious effect; Has not been previously published as pathogenic or benign to our knowledge

Women's Health and Genetics/Laboratory Corporation of America, LabCorp
Classification: Uncertain significance. Last evaluated: 2017-07-03. Review status: criteria provided, single submitter. Criteria: LabCorp Variant Classification Summary - May 2015. Collection method: clinical testing. Allele origin: germline.
Comment: Variant summary: The BRCA2 c.1939T>C (p.Cys647Arg) variant involves the alteration of a non-conserved nucleotide and is located in interacting region with NPM1 (UniProt). 3/5 in silico tools predict damaging outcome for this variant. This variant is absent in 116940 control chromosomes from ExAC. The variant of interest has not, to our knowledge, been reported in affected individuals via publications and/or reputable databases/clinical diagnostic laboratories, nor has it been evaluated for functional impact by in vivo/vitro studies. Because of the absence of clinical information and the lack of functional studies, the variant is classified as a variant of uncertain significance (VUS) until additional information becomes available.